The following is an entry in ClinVar:

ClinVar aggregate classification (germline): Conflicting classifications of pathogenicity. Review status: criteria provided, conflicting classifications (1 of 4 stars). 7 submissions from 7 submitters: Uncertain significance (5); Likely benign (1). 1 of the submissions does not count toward it. Last evaluated 2025-12-01.

Conditions:
Juvenile myelomonocytic leukemia (JMML). Also called: LEUKEMIA, JUVENILE MYELOMONOCYTIC, SOMATIC. Identifiers: Orphanet 86834, MedGen C0349639, MONDO:0011908, OMIM 607785, HP:0012209.
Neurofibromatosis, type 1 (NF1). Also called: Peripheral type neurofibromatosis; NEUROFIBROMATOSIS, TYPE I, SOMATIC; Neurofibromatosis, type I; VON RECKLINGHAUSEN DISEASE. Identifiers: Orphanet 636, MedGen C0027831, MONDO:0018975, OMIM 162200. Disease mechanism: loss of function.
NF1-related disorder. Also called: NF1-related condition. Identifiers: MedGen CN379171.
Cardiovascular phenotype. Identifiers: MedGen CN230736.
Hereditary cancer-predisposing syndrome. Also called: Hereditary neoplastic syndrome; Tumor predisposition; Neoplastic Syndromes, Hereditary; Hereditary Cancer Syndrome. Identifiers: Orphanet 140162, MedGen C0027672, MeSH D009386, MONDO:0015356.
Café-au-lait macules with pulmonary stenosis (WTSN). Also called: PULMONIC STENOSIS WITH CAFE-AU-LAIT SPOTS. Identifiers: MedGen C0553586, MONDO:0008672, OMIM 193520.

Allele frequency attached by ClinVar (database versions not stated): TOPMed below 0.00001; gnomAD 0.00001; gnomAD exomes below 0.00001.
gnomAD v4.1: 7 of 1,613,736 alleles (0.00043%); highest among the groups gnomAD compares: Non-Finnish European, 0.00059%; no homozygotes.

Submissions (7):

Labcorp Genetics (formerly Invitae), Labcorp
Classification: Likely benign for Neurofibromatosis, type 1. Last evaluated: 2025-12-01. Review status: criteria provided, single submitter. Criteria: Invitae Variant Classification Sherloc (09022015). Collection method: clinical testing. Allele origin: germline.

Blueprint Genetics
Classification: Uncertain significance. Last evaluated: 2024-07-02. Review status: criteria provided, single submitter. Criteria: ACMG Guidelines, 2015. Collection method: clinical testing. Allele origin: germline.

Ambry Genetics
Classification: Uncertain significance for Cardiovascular phenotype; Hereditary cancer-predisposing syndrome. Last evaluated: 2023-05-25. Review status: criteria provided, single submitter. Criteria: Ambry Variant Classification Scheme 2023. Collection method: clinical testing. Allele origin: germline.
Comment: The p.R720Q variant (also known as c.2159G>A), located in coding exon 18 of the NF1 gene, results from a G to A substitution at nucleotide position 2159. The arginine at codon 720 is replaced by glutamine, an amino acid with highly similar properties. This amino acid position is highly conserved in available vertebrate species. In addition, the in silico prediction for this alteration is inconclusive. Since supporting evidence is limited at this time, the clinical significance of this alteration remains unclear.

Baylor Genetics
Classification: Uncertain significance for Juvenile myelomonocytic leukemia. Last evaluated: 2023-05-18. Review status: criteria provided, single submitter. Criteria: ACMG Guidelines, 2015. Collection method: clinical testing. Allele origin: unknown.

GeneDx
Classification: Uncertain significance. Last evaluated: 2022-10-26. Review status: criteria provided, single submitter. Criteria: GeneDx Variant Classification Process June 2021. Collection method: clinical testing. Allele origin: germline. Affected: yes.
Comment: In silico analysis supports that this missense variant does not alter protein structure/function; Has not been previously published as pathogenic or benign to our knowledge; This variant is associated with the following publications: (PMID: 33155181, 30287823, 25486365)

Genome-Nilou Lab
Classification: Uncertain significance for Neurofibromatosis, type 1. Last evaluated: 2022-03-15. Review status: criteria provided, single submitter. Criteria: ACMG Guidelines, 2015. Collection method: clinical testing. Allele origin: germline. Affected: no.

PreventionGenetics, part of Exact Sciences
Classification: Uncertain significance for NF1-related condition. Last evaluated: 2023-11-01. Review status: no assertion criteria provided. Collection method: clinical testing. Allele origin: germline. Not counted in ClinVar's aggregate classification.
Comment: The NF1 c.2159G>A variant is predicted to result in the amino acid substitution p.Arg720Gln. This variant was reported in an individual with biliary tract cancer (Okawa et al. 2022. PubMed ID: 36243179). This variant is reported in 0.00088% of alleles in individuals of European (Non-Finnish) descent in gnomAD. In  ClinVar, this variant is interpreted as uncertain. At this time, the clinical significance of this variant is uncertain due to the absence of conclusive functional and genetic evidence.

NM_001042492.3(NF1):c.2159G>A (p.Arg720Gln)

Gene: NF1 (neurofibromin 1; plus strand). Cytogenetic location: 17q11.2.
Variant type: single nucleotide variant.
Coding change: c.2159G>A on transcript NM_001042492.3 (MANE Select); coding-DNA position 2159, G replaced by A.
Protein change: p.Arg720Gln; replaces arginine 720 with glutamine.
Molecular consequence: missense variant.
Genome position (GRCh38, 1-based): chr17:31,226,592, G>A. VCF-style: chr17-31226592-G-A. GRCh37 (hg19) VCF-style: chr17-29553610-G-A.
Other names: c.2159G>A, p.Arg720Gln (NM_000267.4); short protein forms R720Q.
Identifiers: ClinVar variation 527423 (VCV000527423.23), dbSNP rs1350468182, ClinGen allele CA398982388.
Genomic context (GRCh38, chr17:31,226,592, plus strand): 5'-CTGAAGCTGTTCTGGTTGCCATGTCCTGTTTCCGCCACCTCTGTGAGGAAGCAGATATCC[G>A]GTGTGGGGTGGATGAAGTGTCAGTGCATAACCTCTTGCCCAACTATAACACATTCATGGA-3'
Protein context (NP_001035957.1, residues 710-730): FRHLCEEADI[Arg720Gln]CGVDEVSVHN